The following is an entry in ClinVar:

NM_024857.5(ATAD5):c.2775C>T (p.Ser925=)

Gene: ATAD5 (ATPase family AAA domain containing 5; plus strand). Cytogenetic location: 17q11.2.
Variant type: single nucleotide variant.
Coding change: c.2775C>T on transcript NM_024857.5 (MANE Select); coding-DNA position 2775, C replaced by T.
Protein change: p.Ser925=; no amino-acid change (serine 925 retained).
Molecular consequence: synonymous variant.
Genome position (GRCh38, 1-based): chr17:30,857,094, C>T. VCF-style: chr17-30857094-C-T. GRCh37 (hg19) VCF-style: chr17-29184112-C-T.
Identifiers: ClinVar variation 3049297 (VCV003049297.2), dbSNP rs758984843, ClinGen allele CA8483914.

ClinVar aggregate classification (germline): Likely benign (0 of 4 stars; one submission).

Conditions:
ATAD5-related disorder. Also called: ATAD5-related condition.

Allele frequency attached by ClinVar (database versions not stated): gnomAD 0.00003; gnomAD exomes 0.00004; TOPMed 0.00009; ExAC 0.00016.

Submission:

PreventionGenetics, part of Exact Sciences
Classification: Likely benign for ATAD5-related condition. Last evaluated: 2019-07-10. Review status: no assertion criteria provided. Collection method: clinical testing. Allele origin: germline.
Comment: This variant is classified as likely benign based on ACMG/AMP sequence variant interpretation guidelines (Richards et al. 2015 PMID: 25741868, with internal and published modifications).